The following is an entry in ClinVar:

ClinVar aggregate classification (germline): Uncertain significance (1 of 4 stars; one submission).

Conditions:
Inborn genetic diseases. Identifiers: MedGen C0950123, MeSH D030342.

Submission:

Ambry Genetics
Classification: Uncertain significance for Inborn genetic diseases. Last evaluated: 2025-11-05. Review status: criteria provided, single submitter. Criteria: Ambry Variant Classification Scheme 2023. Collection method: clinical testing. Allele origin: germline.
Comment: The c.316C>T (p.H106Y) alteration is located in exon 2 (coding exon 1) of the CLN8 gene. This alteration results from a C to T substitution at nucleotide position 316, causing the histidine (H) at amino acid position 106 to be replaced by a tyrosine (Y). Based on data from gnomAD, the T allele has an overall frequency of <0.001% (1/251470) total alleles studied. The highest observed frequency was 0.003% (1/30616) of South Asian alleles. Based on insufficient or conflicting evidence, the clinical significance of this alteration remains unclear.

NM_018941.4(CLN8):c.316C>T (p.His106Tyr)

Gene: CLN8 (CLN8 transmembrane ER and ERGIC protein; plus strand). Cytogenetic location: 8p23.3.
Variant type: single nucleotide variant.
Coding change: c.316C>T on transcript NM_018941.4 (MANE Select); coding-DNA position 316, C replaced by T.
Protein change: p.His106Tyr; replaces histidine 106 with tyrosine.
Molecular consequence: missense variant.
Genome position (GRCh38, 1-based): chr8:1,771,370, C>T. VCF-style: chr8-1771370-C-T. GRCh37 (hg19) VCF-style: chr8-1719536-C-T.
Other names: short protein forms H106Y.
Identifiers: ClinVar variation 4615964 (VCV004615964.1).